The following is an entry in ClinVar:

NM_000292.3(PHKA2):c.3610G>A (p.Ala1204Thr)

Genes: PHKA2 (phosphorylase kinase regulatory subunit alpha 2; minus strand), PHKA2-AS1 (PHKA2 antisense RNA 1; plus strand). Cytogenetic location: Xp22.13.
Variant type: single nucleotide variant.
Coding change: c.3610G>A on transcript NM_000292.3 (MANE Select); coding-DNA position 3610, G replaced by A.
Protein change: p.Ala1204Thr; replaces alanine 1204 with threonine.
Molecular consequence: missense variant.
Genome position (GRCh38, 1-based): chrX:18,893,583, C>T on the plus strand (G>A on the coding strand, the complement: PHKA2 is on the minus strand). VCF-style: chrX-18893583-C-T. GRCh37 (hg19) VCF-style: chrX-18911701-C-T.
Other names: short protein forms A1204T.
Identifiers: ClinVar variation 3417746 (VCV003417746.2).

ClinVar aggregate classification (germline): Uncertain significance. Review status: criteria provided, multiple submitters, no conflicts (2 of 4 stars). 2 submissions from 2 submitters: Uncertain significance (2). Last evaluated 2024-11-26.

Conditions:
PHKA2-related disorder. Also called: PHKA2-related condition.
Inborn genetic diseases. Identifiers: MedGen C0950123, MeSH D030342.

gnomAD v4.1: 37 of 1,209,803 alleles (0.0031%); highest among the groups gnomAD compares: Non-Finnish European, 0.0039%; no homozygotes.

Submissions (2):

PreventionGenetics, part of Exact Sciences
Classification: Uncertain significance for PHKA2-related condition. Last evaluated: 2024-11-26. Review status: criteria provided, single submitter. Criteria: ACMG Guidelines, 2015. Collection method: clinical testing. Allele origin: germline.
Comment: The PHKA2 c.3610G>A variant is predicted to result in the amino acid substitution p.Ala1204Thr. To our knowledge, this variant has not been reported in the literature. This variant is reported in 0.0011% of alleles in individuals of European (non-Finnish) descent in gnomAD. At this time, the clinical significance of this variant is uncertain due to the absence of conclusive functional and genetic evidence.

Ambry Genetics
Classification: Uncertain significance for Inborn genetic diseases. Last evaluated: 2024-07-15. Review status: criteria provided, single submitter. Criteria: Ambry Variant Classification Scheme 2023. Collection method: clinical testing. Allele origin: germline.

Literature cited by the submitters: PubMed 31903434 (cited by Ambry Genetics).